The following is an entry in ClinVar:

NC_000016.10:g.20593933C>T

Genes: ACSM1 (acyl-CoA synthetase medium chain family member 1; minus strand), ACSM2B (acyl-CoA synthetase medium chain family member 2B; minus strand). Cytogenetic location: 16p12.3.
Variant type: single nucleotide variant.
Genome position: GRCh38 VCF-style: chr16-20593933-C-T. GRCh37 (hg19) VCF-style: chr16-20605255-C-T.
Identifiers: ClinVar variation 3900043 (VCV003900043.1).

ClinVar aggregate classification (germline): drug response (0 of 4 stars; one submission).

Conditions:
Thalidomide response. Identifiers: MedGen CN297989.

Submission:

Rare Diseases Genetics and Genomics, Islamia College Peshawar
Classification: drug response for Thalidomide response. Review status: no assertion criteria provided. Collection method: research. Allele origin: germline. Affected: yes.
Comment: this variant was associated with excellent response to thalidomide (achieving transfusion independence)